The following is an entry in ClinVar:

NM_004565.3(PEX14):c.504G>A (p.Thr168=)

Genes: PEX14 (peroxisomal biogenesis factor 14; plus strand), LOC126805616 (CDK7 strongly-dependent group 2 enhancer GRCh37_chr1:10683990-10685189; plus strand). Cytogenetic location: 1p36.22.
Variant type: single nucleotide variant.
Coding change: c.504G>A on transcript NM_004565.3 (MANE Select); coding-DNA position 504, G replaced by A.
Protein change: p.Thr168=; no amino-acid change (threonine 168 retained).
Molecular consequence: synonymous variant.
Genome position (GRCh38, 1-based): chr1:10,624,356, G>A. VCF-style: chr1-10624356-G-A. GRCh37 (hg19) VCF-style: chr1-10684413-G-A.
Identifiers: ClinVar variation 791694 (VCV000791694.16), dbSNP rs146781531, ClinGen allele CA583877.

ClinVar aggregate classification (germline): Benign/Likely benign. Review status: criteria provided, multiple submitters, no conflicts (2 of 4 stars). 4 submissions from 4 submitters: Benign (3); Likely benign (1). Last evaluated 2026-02-03.

Conditions:
Peroxisome biogenesis disorder 13A (Zellweger). Also called: Peroxisome biogenesis disorder 13A. Identifiers: Orphanet 912, MedGen C3554004, MONDO:0013952, OMIM 614887.
Peroxisome biogenesis disorder, complementation group K (CGK). Identifiers: MedGen C1866257, MONDO:0800365.

Allele frequency attached by ClinVar (database versions not stated): gnomAD exomes 0.00049 and 0.00117; ExAC 0.00159; gnomAD 0.00508 and 0.00548; ESP Exome Variant Server 0.00531; TOPMed 0.00531; 1000 Genomes Project 30x 0.00578; 1000 Genomes Project 0.00639.
gnomAD v4.1: 1,515 of 1,612,784 alleles (0.094%); highest among the groups gnomAD compares: African/African-American, 1.8%; 12 homozygotes.

Submissions (4):

Labcorp Genetics (formerly Invitae), Labcorp
Classification: Benign for Peroxisome biogenesis disorder, complementation group K. Last evaluated: 2026-02-03. Review status: criteria provided, single submitter. Criteria: Invitae Variant Classification Sherloc (09022015). Collection method: clinical testing. Allele origin: germline.

Blueprint Genetics
Classification: Likely benign. Last evaluated: 2024-11-11. Review status: criteria provided, single submitter. Criteria: ACMG Guidelines, 2015. Collection method: clinical testing. Allele origin: germline.

Illumina Laboratory Services, Illumina
Classification: Benign for Peroxisome biogenesis disorder 13A (Zellweger). Last evaluated: 2017-04-27. Review status: criteria provided, single submitter. Criteria: ICSL Variant Classification Criteria 13 December 2019. Collection method: clinical testing. Allele origin: germline.
Comment: This variant was observed as part of a predisposition screen in an ostensibly healthy population. A literature search was performed for the gene, cDNA change, and amino acid change (where applicable). No publications were found based on this search. Allele frequency data from public databases was too high to be consistent with this variant causing disease. Therefore, this variant is classified as benign.

Breakthrough Genomics
Classification: Benign. Review status: criteria provided, single submitter. Criteria: ACMG Guidelines, 2015. Collection method: not provided. Allele origin: germline. Inheritance: Autosomal recessive inheritance. Affected: yes.